The following is an entry in ClinVar:

ClinVar aggregate classification (germline): Uncertain significance (1 of 4 stars; one submission).

Submission:

Labcorp Genetics (formerly Invitae), Labcorp
Classification: Uncertain significance. Last evaluated: 2023-01-18. Review status: criteria provided, single submitter. Criteria: Invitae Variant Classification Sherloc (09022015). Collection method: clinical testing. Allele origin: germline.
Comment: This variant has not been reported in the literature in individuals affected with LIPI-related conditions. This variant is not present in population databases (gnomAD no frequency). This sequence change falls in intron 7 of the LIPI gene. It does not directly change the encoded amino acid sequence of the LIPI protein. It affects a nucleotide within the consensus splice site. In summary, the available evidence is currently insufficient to determine the role of this variant in disease. Therefore, it has been classified as a Variant of Uncertain Significance. Variants that disrupt the consensus splice site are a relatively common cause of aberrant splicing (PMID: 17576681, 9536098). Algorithms developed to predict the effect of sequence changes on RNA splicing suggest that this variant may create or strengthen a splice site.

Literature cited by the submitters: PubMed 17576681; PubMed 9536098.

NM_001302998.2(LIPI):c.1007-3T>C

Gene: LIPI (lipase I; minus strand). Cytogenetic location: 21q11.2.
Variant type: single nucleotide variant.
Coding change: c.1007-3T>C on transcript NM_001302998.2 (MANE Select); 3 bases into the intron before coding-DNA position 1007, T replaced by C.
Molecular consequence: intron variant.
Genome position (GRCh38, 1-based): chr21:14,152,687, A>G on the plus strand (T>C on the coding strand, the complement: LIPI is on the minus strand). VCF-style: chr21-14152687-A-G. GRCh37 (hg19) VCF-style: chr21-15525008-A-G.
Other names: c.872-3T>C (NM_198996.4); c.512-3T>C (NM_001379566.1); c.917-3T>C (NM_001302999.2); c.902-3T>C (NM_001379565.1); c.989-3T>C (NM_001303000.2); c.1006+10732T>C (NM_001303001.2).
Identifiers: ClinVar variation 3005272 (VCV003005272.3), dbSNP rs2516397226, ClinGen allele CA2654029504.
Genomic context (GRCh38, chr21:14,152,687, plus strand): 5'-AACGAGCCATCCATCATAGTTTTATCTGGAACAATTATACTGAGAACAAAATAATAGGCT[A>G]CAAAATAAAAATATAGAATACAACTCACATTATTTTTTAATTTTTGGTTTTGGTACATAT-3'